The following is an entry in ClinVar:

NM_194248.3(OTOF):c.2781C>T (p.Cys927=)

Gene: OTOF (otoferlin; minus strand). Cytogenetic location: 2p23.3.
Variant type: single nucleotide variant.
Coding change: c.2781C>T on transcript NM_194248.3 (MANE Select); coding-DNA position 2781, C replaced by T.
Protein change: p.Cys927=; no amino-acid change (cysteine 927 retained).
Molecular consequence: synonymous variant.
Genome position (GRCh38, 1-based): chr2:26,476,213, G>A on the plus strand (C>T on the coding strand, the complement: OTOF is on the minus strand). VCF-style: chr2-26476213-G-A. GRCh37 (hg19) VCF-style: chr2-26699081-G-A.
Other names: c.2781C>T, p.Cys927= (NM_001287489.2); c.540C>T, p.Cys180= (NM_004802.4, NM_194323.3); c.711C>T, p.Cys237= (NM_194322.3).
Identifiers: ClinVar variation 2906255 (VCV002906255.10), dbSNP rs199804573, ClinGen allele CA44397947.

ClinVar aggregate classification (germline): Likely benign. Review status: criteria provided, multiple submitters, no conflicts (2 of 4 stars). 2 submissions from 2 submitters: Likely benign (2). Last evaluated 2025-04-01.

Allele frequency attached by ClinVar (database versions not stated): gnomAD 0.00002; 1000 Genomes Project 30x 0.00016; 1000 Genomes Project 0.00020.
gnomAD v4.1: 30 of 1,609,756 alleles (0.0019%); highest among the groups gnomAD compares: African/African-American, 0.004%; no homozygotes.

Submissions (2):

CeGaT Center for Human Genetics Tuebingen
Classification: Likely benign. Last evaluated: 2025-04-01. Review status: criteria provided, single submitter. Criteria: CeGaT Center For Human Genetics Tuebingen Variant Classification Criteria Version 2. Collection method: clinical testing. Allele origin: germline. Affected: yes. Observed: 1 variant allele.
Comment: OTOF: BP4, BP7

Labcorp Genetics (formerly Invitae), Labcorp
Classification: Likely benign. Last evaluated: 2023-11-10. Review status: criteria provided, single submitter. Criteria: Invitae Variant Classification Sherloc (09022015). Collection method: clinical testing. Allele origin: germline.